The following is an entry in ClinVar:

NM_005732.4(RAD50):c.3493del (p.Ile1165fs)

Genes: TH2LCRR (T helper type 2 locus control region associated RNA; minus strand), TH2-LCR (Th2 cytokine locus control region; plus strand), RAD50 (RAD50 double strand break repair protein; plus strand). Cytogenetic location: 5q31.1.
Variant type: Deletion.
Coding change: c.3493del on transcript NM_005732.4 (MANE Select); coding-DNA position 3493, one base deleted (A; older notation c.3493delA).
Protein change: p.Ile1165fs; shifts the reading frame from isoleucine 1165.
Molecular consequence: frameshift variant. On other transcripts: non-coding transcript variant (2).
Genome position (GRCh38, 1-based): chr5:132,638,098, A deleted; the last of 3 consecutive A bases (chr5:132,638,096-132,638,098); deleting any one gives the same sequence. VCF-style (leftmost placement, unchanged base first): chr5-132638095-GA-G. GRCh37 (hg19) VCF-style: chr5-131973787-GA-G.
Other names: short protein forms I1165fs.
Identifiers: ClinVar variation 1415017 (VCV001415017.6), dbSNP rs2149863464, ClinGen allele CA2573139094.

ClinVar aggregate classification (germline): Pathogenic (1 of 4 stars; one submission).

Conditions:
Hereditary cancer-predisposing syndrome. Also called: Hereditary Cancer Syndrome; Tumor predisposition; Hereditary neoplastic syndrome; Neoplastic Syndromes, Hereditary. Identifiers: Orphanet 140162, MedGen C0027672, MeSH D009386, MONDO:0015356.

Submission:

Labcorp Genetics (formerly Invitae), Labcorp
Classification: Pathogenic for Hereditary cancer-predisposing syndrome. Last evaluated: 2021-08-12. Review status: criteria provided, single submitter. Criteria: Invitae Variant Classification Sherloc (09022015). Collection method: clinical testing. Allele origin: germline.
Comment: For these reasons, this variant has been classified as Pathogenic. This variant has not been reported in the literature in individuals affected with RAD50-related conditions. This variant is not present in population databases (ExAC no frequency). This sequence change creates a premature translational stop signal (p.Ile1165Tyrfs*23) in the RAD50 gene. It is expected to result in an absent or disrupted protein product. Loss-of-function variants in RAD50 are known to be pathogenic (PMID: 19409520).

Literature cited by the submitters: PubMed 19409520.